The following is an entry in ClinVar:

NM_014994.3(MAPKBP1):c.966C>T (p.Ser322=)

Gene: MAPKBP1 (mitogen-activated protein kinase binding protein 1; plus strand). Cytogenetic location: 15q15.1.
Variant type: single nucleotide variant.
Coding change: c.966C>T on transcript NM_014994.3 (MANE Select); coding-DNA position 966, C replaced by T.
Protein change: p.Ser322=; no amino-acid change (serine 322 retained).
Molecular consequence: synonymous variant. On other transcripts: non-coding transcript variant (2).
Genome position (GRCh38, 1-based): chr15:41,813,767, C>T. VCF-style: chr15-41813767-C-T. GRCh37 (hg19) VCF-style: chr15-42105965-C-T.
Other names: c.984C>T, p.Ser328= (NM_001128608.2); c.966C>T, p.Ser322= (NM_001265611.2); c.984C>T (NM_001128608.1).
Identifiers: ClinVar variation 3671546 (VCV003671546.3).

ClinVar aggregate classification (germline): Likely benign. Review status: criteria provided, multiple submitters, no conflicts (2 of 4 stars). 2 submissions from 2 submitters: Likely benign (2). Last evaluated 2026-05-27.

Conditions:
MAPKBP1-related disorder. Also called: MAPKBP1-related condition.

gnomAD v4.1: 552 of 1,599,314 alleles (0.035%); highest among the groups gnomAD compares: Non-Finnish European, 0.044%; no homozygotes.

Submissions (2):

PreventionGenetics, part of Exact Sciences
Classification: Likely benign for MAPKBP1-related condition. Last evaluated: 2026-05-27. Review status: criteria provided, single submitter. Criteria: ACMG Guidelines, 2015. Collection method: clinical testing. Allele origin: germline.
Comment: This variant is classified as likely benign based on ACMG/AMP sequence variant interpretation guidelines (Richards et al. 2015 PMID: 25741868, with internal and published modifications).

Labcorp Genetics (formerly Invitae), Labcorp
Classification: Likely benign. Last evaluated: 2024-11-18. Review status: criteria provided, single submitter. Criteria: Invitae Variant Classification Sherloc (09022015). Collection method: clinical testing. Allele origin: germline.